The following is an entry in ClinVar:

NM_024537.4(CARS2):c.752C>T (p.Pro251Leu)

Gene: CARS2 (cysteinyl-tRNA synthetase 2, mitochondrial; minus strand). Cytogenetic location: 13q34.
Variant type: single nucleotide variant.
Coding change: c.752C>T on transcript NM_024537.4 (MANE Select); coding-DNA position 752, C replaced by T.
Protein change: p.Pro251Leu; replaces proline 251 with leucine.
Molecular consequence: missense variant. On other transcripts: 5 prime UTR variant (1), non-coding transcript variant (2).
Genome position (GRCh38, 1-based): chr13:110,677,007, G>A on the plus strand (C>T on the coding strand, the complement: CARS2 is on the minus strand). VCF-style: chr13-110677007-G-A. GRCh37 (hg19) VCF-style: chr13-111329354-G-A.
Other names: c.-35C>T (NM_001352252.2); c.752C>T, p.Pro251Leu (NM_001352253.3); short protein forms P251L.
Identifiers: ClinVar variation 218178 (VCV000218178.7), dbSNP rs557671802, ClinGen allele CA211164.

ClinVar aggregate classification (germline): Uncertain significance. Review status: criteria provided, single submitter (1 of 4 stars). 2 submissions from 2 submitters: Uncertain significance (1). 1 of the submissions does not count toward it. Last evaluated 2024-12-09.

Conditions:
Combined oxidative phosphorylation defect type 27. Also called: Combined oxidative phosphorylation deficiency 27. Identifiers: Orphanet 477774, MedGen C5567608, MONDO:0014728, OMIM 616672.

Allele frequency attached by ClinVar (database versions not stated): TOPMed below 0.00001; gnomAD 0.00001; gnomAD exomes 0.00001 and 0.00002; ExAC 0.00004; 1000 Genomes Project 30x 0.00016; 1000 Genomes Project 0.00020.
gnomAD v4.1: 15 of 1,599,736 alleles (0.00094%); highest among the groups gnomAD compares: East Asian, 0.0023%; no homozygotes.

Submissions (2):

Labcorp Genetics (formerly Invitae), Labcorp
Classification: Uncertain significance for Combined oxidative phosphorylation defect type 27. Last evaluated: 2024-12-09. Review status: criteria provided, single submitter. Criteria: Invitae Variant Classification Sherloc (09022015). Collection method: clinical testing. Allele origin: germline.
Comment: This sequence change replaces proline, which is neutral and non-polar, with leucine, which is neutral and non-polar, at codon 251 of the CARS2 protein (p.Pro251Leu). This variant is present in population databases (rs557671802, gnomAD 0.01%). This missense change has been observed in individual(s) with clinical features of a CARS2-related condition (PMID: 25787132). ClinVar contains an entry for this variant (Variation ID: 218178). Invitae Evidence Modeling of protein sequence and biophysical properties (such as structural, functional, and spatial information, amino acid conservation, physicochemical variation, residue mobility, and thermodynamic stability) indicates that this missense variant is expected to disrupt CARS2 protein function with a positive predictive value of 80%. In summary, the available evidence is currently insufficient to determine the role of this variant in disease. Therefore, it has been classified as a Variant of Uncertain Significance.

OMIM
Classification: Pathogenic for COMBINED OXIDATIVE PHOSPHORYLATION DEFICIENCY 27. Last evaluated: 2015-03-18. Review status: no assertion criteria provided. Collection method: literature only. Allele origin: germline. Not counted in ClinVar's aggregate classification.

Literature cited by the submitters: PubMed 25787132 (cited by Labcorp Genetics (formerly Invitae), Labcorp and OMIM).